The following is an entry in ClinVar:

NM_003640.5(ELP1):c.1213del (p.Arg405fs)

Gene: ELP1 (elongator acetyltransferase complex subunit 1; minus strand). Cytogenetic location: 9q31.3.
Variant type: Deletion.
Coding change: c.1213del on transcript NM_003640.5 (MANE Select); coding-DNA position 1213, one base deleted (C; older notation c.1213delC).
Protein change: p.Arg405fs; shifts the reading frame from arginine 405.
Molecular consequence: frameshift variant.
Genome position (GRCh38, 1-based): chr9:108,911,157, G deleted on the plus strand (C on the coding strand, the reverse complement: ELP1 is on the minus strand); the first of 2 consecutive G bases (chr9:108,911,157-108,911,158); deleting either gives the same sequence. VCF-style (leftmost placement, unchanged base first): chr9-108911156-CG-C. GRCh37 (hg19) VCF-style: chr9-111673436-CG-C.
Other names: c.871del, p.Arg291fs (NM_001318360.2); c.166del, p.Arg56fs (NM_001330749.2); short protein forms R291fs, R405fs, R56fs.
Identifiers: ClinVar variation 2108127 (VCV002108127.4), dbSNP rs2537923156, ClinGen allele CA2580079394.

ClinVar aggregate classification (germline): Pathogenic (1 of 4 stars; one submission).

Submission:

Labcorp Genetics (formerly Invitae), Labcorp
Classification: Pathogenic. Last evaluated: 2022-08-22. Review status: criteria provided, single submitter. Criteria: Invitae Variant Classification Sherloc (09022015). Collection method: clinical testing. Allele origin: germline.
Comment: For these reasons, this variant has been classified as Pathogenic. This variant has not been reported in the literature in individuals affected with ELP1-related conditions. This variant is not present in population databases (gnomAD no frequency). This sequence change creates a premature translational stop signal (p.Arg405Glyfs*20) in the ELP1 gene. It is expected to result in an absent or disrupted protein product. Loss-of-function variants in ELP1 are known to be pathogenic (PMID: 18303054, 24173031).

Literature cited by the submitters: PubMed 18303054; PubMed 24173031.